The following is an entry in ClinVar:

NM_000088.4(COL1A1):c.4165C>T (p.Leu1389Phe)

Gene: COL1A1 (collagen type I alpha 1 chain; minus strand). Cytogenetic location: 17q21.33.
Variant type: single nucleotide variant.
Coding change: c.4165C>T on transcript NM_000088.4 (MANE Select); coding-DNA position 4165, C replaced by T.
Protein change: p.Leu1389Phe; replaces leucine 1389 with phenylalanine.
Molecular consequence: missense variant.
Genome position (GRCh38, 1-based): chr17:50,185,861, G>A on the plus strand (C>T on the coding strand, the complement: COL1A1 is on the minus strand). VCF-style: chr17-50185861-G-A. GRCh37 (hg19) VCF-style: chr17-48263222-G-A.
Other names: short protein forms L1389F.
Identifiers: ClinVar variation 4706505 (VCV004706505.2).
Genomic context (GRCh38, chr17:50,185,861, plus strand): 5'-TGTAGGTGAAGCGGCTGTTGCCCTCGGCGCGGATCTCGATCTCGTTGGAGCCCTGGAGGA[G>A]CAGGGCCTTCTTGAGGTTGCCAGTCTGCTGGTCCATGTAGGCCACGCTGTTCTTGCAGTG-3'
Protein context (NP_000079.2, residues 1379-1399): QQTGNLKKAL[Leu1389Phe]LQGSNEIEIR

ClinVar aggregate classification (germline): Uncertain significance. Review status: criteria provided, multiple submitters, no conflicts (2 of 4 stars). 2 submissions from 2 submitters: Uncertain significance (2). Last evaluated 2025-05-18.

Conditions:
Osteogenesis imperfecta type I (OI1). Also called: OI, TYPE I; OSTEOGENESIS IMPERFECTA TARDA; OSTEOGENESIS IMPERFECTA WITH BLUE SCLERAE; Osteogenesis imperfecta type 1; Lobstein's Disease; Lobstein disease. Identifiers: Orphanet 216796, Orphanet 666, MedGen C0023931, MONDO:0008146, OMIM 166200. Disease mechanism: loss of function.

Submissions (2):

Labcorp Genetics (formerly Invitae), Labcorp
Classification: Uncertain significance for Osteogenesis imperfecta type I. Last evaluated: 2025-05-18. Review status: criteria provided, single submitter. Criteria: Invitae Variant Classification Sherloc (09022015). Collection method: clinical testing. Allele origin: germline.
Comment: This sequence change replaces leucine, which is neutral and non-polar, with phenylalanine, which is neutral and non-polar, at codon 1389 of the COL1A1 protein (p.Leu1389Phe). This variant is not present in population databases (gnomAD no frequency). This variant has not been reported in the literature in individuals affected with COL1A1-related conditions. Invitae Evidence Modeling of protein sequence and biophysical properties (such as structural, functional, and spatial information, amino acid conservation, physicochemical variation, residue mobility, and thermodynamic stability) has been performed for this missense variant. However, the output from this modeling did not meet the statistical confidence thresholds required to predict the impact of this variant on COL1A1 protein function. In summary, the available evidence is currently insufficient to determine the role of this variant in disease. Therefore, it has been classified as a Variant of Uncertain Significance.

Blueprint Genetics
Classification: Uncertain significance. Last evaluated: 2024-10-17. Review status: criteria provided, single submitter. Criteria: ACMG Guidelines, 2015. Collection method: clinical testing. Allele origin: germline.